The following is an entry in ClinVar:

NM_002579.3(PALM):c.1129AAG[1] (p.Lys378del)

Gene: PALM (paralemmin; plus strand). Cytogenetic location: 19p13.3.
Variant type: Microsatellite.
Coding change: c.1129AAG[1] on transcript NM_002579.3 (MANE Select); one copy of the 3-base unit AAG starting at c.1129; the reference has two copies in a row; one copy, 3 bases deleted.
Protein change: p.Lys378del; deletes lysine 378.
Molecular consequence: inframe deletion.
Genome position (GRCh38, 1-based): chr19:746,782-746,784, AAG deleted; deleting any 3 consecutive bases within chr19:746,778-746,784 gives the same sequence; the position shown is the placement nearest the transcript's 3' end. VCF-style (leftmost placement, unchanged base first): chr19-746777-TGAA-T. GRCh37 (hg19) VCF-style: chr19-746777-TGAA-T.
Other names: c.997AAG[1], p.Lys334del (NM_001040134.2); short protein forms K334del, K378del.
Identifiers: ClinVar variation 2001052 (VCV002001052.4), dbSNP rs748684809, ClinGen allele CA9022882.

ClinVar aggregate classification (germline): Uncertain significance (1 of 4 stars; one submission).

Submission:

Labcorp Genetics (formerly Invitae), Labcorp
Classification: Uncertain significance. Last evaluated: 2022-06-22. Review status: criteria provided, single submitter. Criteria: Invitae Variant Classification Sherloc (09022015). Collection method: clinical testing. Allele origin: germline.
Comment: Experimental studies and prediction algorithms are not available or were not evaluated, and the functional significance of this variant is currently unknown. In summary, the available evidence is currently insufficient to determine the role of this variant in disease. Therefore, it has been classified as a Variant of Uncertain Significance. This variant has not been reported in the literature in individuals affected with PALM-related conditions. This variant, c.1132_1134del, results in the deletion of 1 amino acid(s) of the PALM protein (p.Lys378del), but otherwise preserves the integrity of the reading frame. This variant is present in population databases (rs748684809, gnomAD 0.004%).